The following is an entry in ClinVar:

ClinVar aggregate classification (germline): Uncertain significance. Review status: criteria provided, multiple submitters, no conflicts (2 of 4 stars). 2 submissions from 2 submitters: Uncertain significance (2). Last evaluated 2025-11-05.

Conditions:
Loeys-Dietz syndrome 2 (LDS2). Also called: Marfan syndrome, type 2 (formerly); Marfan Syndrome type 2; Marfan like connective tissue disorder; MFS 2; TGFBR2-Related Loeys-Dietz Syndrome; AORTIC ANEURYSM, FAMILIAL THORACIC 3. Identifiers: Orphanet 284973, Orphanet 558, MedGen C2674574, MONDO:0012427, OMIM 610168.

Submissions (2):

Labcorp Genetics (formerly Invitae), Labcorp
Classification: Uncertain significance for Loeys-Dietz syndrome 2. Last evaluated: 2025-11-05. Review status: criteria provided, single submitter. Criteria: Invitae Variant Classification Sherloc (09022015). Collection method: clinical testing. Allele origin: germline.
Comment: This sequence change creates a premature translational stop signal (p.Cys629Valfs*8) in the TMPO gene. While this is not anticipated to result in nonsense mediated decay, it is expected to disrupt the last 66 amino acid(s) of the TMPO protein. This variant is not present in population databases (gnomAD no frequency). This variant has not been reported in the literature in individuals affected with TMPO-related conditions. ClinVar contains an entry for this variant (Variation ID: 2430847). In summary, the available evidence is currently insufficient to determine the role of this variant in disease. Therefore, it has been classified as a Variant of Uncertain Significance.

GeneDx
Classification: Uncertain significance. Last evaluated: 2022-08-25. Review status: criteria provided, single submitter. Criteria: GeneDx Variant Classification Process June 2021. Collection method: clinical testing. Allele origin: germline. Affected: yes.
Comment: Not observed at significant frequency in large population cohorts (gnomAD); Frameshift variant predicted to result in protein truncation in a gene or region of a gene for which loss of function is not a well-established mechanism of disease; Has not been previously published as pathogenic or benign to our knowledge

NM_001032283.3(TMPO):c.565+2304del

Gene: TMPO (thymopoietin; plus strand). Cytogenetic location: 12q23.1.
Variant type: Deletion.
Coding change: c.565+2304del on transcript NM_001032283.3 (MANE Select); 2304 bases into the intron after coding-DNA position 565, one base deleted (T; older notation c.565+2304delT).
Molecular consequence: intron variant. On other transcripts: frameshift variant (1).
Genome position (GRCh38, 1-based): chr12:98,534,142, T deleted; the last of 3 consecutive T bases (chr12:98,534,140-98,534,142); deleting any one gives the same sequence. VCF-style (leftmost placement, unchanged base first): chr12-98534139-AT-A. GRCh37 (hg19) VCF-style: chr12-98927917-AT-A.
Other names: c.1885del, p.Cys629fs (NM_003276.2); c.565+2304del (NM_001307975.2, NM_001032284.3); short protein forms C629fs.
Identifiers: ClinVar variation 2430847 (VCV002430847.2), dbSNP rs1013303326, ClinGen allele CA242225423.